The following is an entry in ClinVar:

ClinVar aggregate classification (germline): Uncertain significance (1 of 4 stars; one submission).

Conditions:
Mucopolysaccharidosis, MPS-III-A (MPS3A). Also called: HEPARAN SULFATE SULFATASE DEFICIENCY; SANFILIPPO SYNDROME A; SULFAMIDASE DEFICIENCY; MPS III A; MPS IIIA (Sanfilippo Syndrome Type A); Mucopolysaccharidosis type IIIA (Sanfilippo A). Identifiers: Orphanet 581, Orphanet 79269, MedGen C0086647, MONDO:0009655, OMIM 252900.

Allele frequency attached by ClinVar (database versions not stated): gnomAD 0.00001; TOPMed 0.00001; gnomAD exomes 0.00002 and 0.00001; ExAC 0.00004.

Submission:

Labcorp Genetics (formerly Invitae), Labcorp
Classification: Uncertain significance for Mucopolysaccharidosis, MPS-III-A. Last evaluated: 2022-06-02. Review status: criteria provided, single submitter. Criteria: Invitae Variant Classification Sherloc (09022015). Collection method: clinical testing. Allele origin: germline.
Comment: This sequence change replaces alanine, which is neutral and non-polar, with threonine, which is neutral and polar, at codon 482 of the SGSH protein (p.Ala482Thr). This variant is present in population databases (rs780969693, gnomAD 0.01%). This variant has not been reported in the literature in individuals affected with SGSH-related conditions. ClinVar contains an entry for this variant (Variation ID: 1513800). Algorithms developed to predict the effect of missense changes on protein structure and function are either unavailable or do not agree on the potential impact of this missense change (SIFT: "Deleterious"; PolyPhen-2: "Possibly Damaging"; Align-GVGD: "Class C0"). In summary, the available evidence is currently insufficient to determine the role of this variant in disease. Therefore, it has been classified as a Variant of Uncertain Significance.

NM_000199.5(SGSH):c.1444G>A (p.Ala482Thr)

Gene: SGSH (N-sulfoglucosamine sulfohydrolase; minus strand). Cytogenetic location: 17q25.3.
Variant type: single nucleotide variant.
Coding change: c.1444G>A on transcript NM_000199.5 (MANE Select); coding-DNA position 1444, G replaced by A.
Protein change: p.Ala482Thr; replaces alanine 482 with threonine.
Molecular consequence: missense variant. On other transcripts: 3 prime UTR variant (2), non-coding transcript variant (1).
Genome position (GRCh38, 1-based): chr17:80,210,517, C>T on the plus strand (G>A on the coding strand, the complement: SGSH is on the minus strand). VCF-style: chr17-80210517-C-T. GRCh37 (hg19) VCF-style: chr17-78184316-C-T.
Other names: c.*531G>A (NM_001352921.3); c.*494G>A (NM_001352922.2); short protein forms A482T.
Identifiers: ClinVar variation 1513800 (VCV001513800.3), dbSNP rs780969693, ClinGen allele CA8817583.